The following is an entry in ClinVar:

NM_001447.3(FAT2):c.4868A>G (p.His1623Arg)

Genes: FAT2 (FAT atypical cadherin 2; minus strand), SLC36A1 (solute carrier family 36 member 1; plus strand). Cytogenetic location: 5q33.1.
Variant type: single nucleotide variant.
Coding change: c.4868A>G on transcript NM_001447.3 (MANE Select); coding-DNA position 4868, A replaced by G.
Protein change: p.His1623Arg; replaces histidine 1623 with arginine.
Molecular consequence: missense variant.
Genome position (GRCh38, 1-based): chr5:151,546,259, T>C on the plus strand (A>G on the coding strand, the complement: FAT2 is on the minus strand). VCF-style: chr5-151546259-T-C. GRCh37 (hg19) VCF-style: chr5-150925820-T-C.
Other names: c.4868A>G (NM_001447.2); short protein forms H1623R.
Identifiers: ClinVar variation 2058741 (VCV002058741.27), dbSNP rs188845404, ClinGen allele CA3521423.

ClinVar aggregate classification (germline): Likely benign. Review status: criteria provided, multiple submitters, no conflicts (2 of 4 stars). 3 submissions from 3 submitters: Likely benign (2). 1 of the submissions does not count toward it. Last evaluated 2025-09-09.

Conditions:
FAT2-related disorder. Also called: FAT2-related condition.

Allele frequency attached by ClinVar (database versions not stated): ESP Exome Variant Server 0.00015; gnomAD exomes 0.00023; ExAC 0.00029; gnomAD 0.00054; TOPMed 0.00091; 1000 Genomes Project 0.00100; 1000 Genomes Project 30x 0.00125.
gnomAD v4.1: 476 of 1,614,162 alleles (0.029%); highest among the groups gnomAD compares: Admixed American, 0.25%; no homozygotes.

Submissions (3):

Labcorp Genetics (formerly Invitae), Labcorp
Classification: Likely benign. Last evaluated: 2025-09-09. Review status: criteria provided, single submitter. Criteria: Invitae Variant Classification Sherloc (09022015). Collection method: clinical testing. Allele origin: germline.

CeGaT Center for Human Genetics Tuebingen
Classification: Likely benign. Last evaluated: 2023-12-01. Review status: criteria provided, single submitter. Criteria: CeGaT Center For Human Genetics Tuebingen Variant Classification Criteria Version 2. Collection method: clinical testing. Allele origin: germline. Affected: yes. Observed: 1 variant allele.
Comment: FAT2: BP4, BS1

PreventionGenetics, part of Exact Sciences
Classification: Likely benign for FAT2-related condition. Last evaluated: 2019-06-05. Review status: no assertion criteria provided. Collection method: clinical testing. Allele origin: germline. Not counted in ClinVar's aggregate classification.
Comment: This variant is classified as likely benign based on ACMG/AMP sequence variant interpretation guidelines (Richards et al. 2015 PMID: 25741868, with internal and published modifications).